The following is an entry in ClinVar:

NM_001905.4(CTPS1):c.1057C>T (p.Arg353Cys)

Gene: CTPS1 (CTP synthase 1; plus strand). Cytogenetic location: 1p34.2.
Variant type: single nucleotide variant.
Coding change: c.1057C>T on transcript NM_001905.4 (MANE Select); coding-DNA position 1057, C replaced by T.
Protein change: p.Arg353Cys; replaces arginine 353 with cysteine.
Molecular consequence: missense variant. On other transcripts: non-coding transcript variant (1).
Genome position (GRCh38, 1-based): chr1:41,001,080, C>T. VCF-style: chr1-41001080-C-T. GRCh37 (hg19) VCF-style: chr1-41466752-C-T.
Other names: c.589C>T, p.Arg197Cys (NM_001301237.2); short protein forms R197C, R353C.
Identifiers: ClinVar variation 1037907 (VCV001037907.9), dbSNP rs968928651, ClinGen allele CA21144754.

ClinVar aggregate classification (germline): Uncertain significance (1 of 4 stars; one submission).

Conditions:
Combined immunodeficiency due to CTPS1 deficiency. Also called: Immunodeficiency 24; Severe combined immunodeficiency due to CTPS1 deficiency. Identifiers: Orphanet 420573, MedGen C4014617, MONDO:0014391, OMIM 615897.

gnomAD v4.1: 5 of 1,612,222 alleles (0.00031%); highest among the groups gnomAD compares: South Asian, 0.0011%; no homozygotes.

Submission:

Labcorp Genetics (formerly Invitae), Labcorp
Classification: Uncertain significance for Combined immunodeficiency due to CTPS1 deficiency. Last evaluated: 2024-12-12. Review status: criteria provided, single submitter. Criteria: Invitae Variant Classification Sherloc (09022015). Collection method: clinical testing. Allele origin: germline.
Comment: This sequence change replaces arginine, which is basic and polar, with cysteine, which is neutral and slightly polar, at codon 353 of the CTPS1 protein (p.Arg353Cys). This variant is not present in population databases (gnomAD no frequency). This variant has not been reported in the literature in individuals affected with CTPS1-related conditions. ClinVar contains an entry for this variant (Variation ID: 1037907). An algorithm developed to predict the effect of missense changes on protein structure and function (PolyPhen-2) suggests that this variant is likely to be tolerated. In summary, the available evidence is currently insufficient to determine the role of this variant in disease. Therefore, it has been classified as a Variant of Uncertain Significance.